The following is an entry in ClinVar:

NM_000362.5(TIMP3):c.71G>T (p.Cys24Phe)

Genes: SYN3 (synapsin III; minus strand), TIMP3 (TIMP metallopeptidase inhibitor 3; plus strand). Cytogenetic location: 22q12.3.
Variant type: single nucleotide variant.
Coding change: c.71G>T on transcript NM_000362.5 (MANE Select); coding-DNA position 71, G replaced by T.
Protein change: p.Cys24Phe; replaces cysteine 24 with phenylalanine.
Molecular consequence: missense variant. On other transcripts: intron variant (7).
Genome position (GRCh38, 1-based): chr22:32,802,072, G>T. VCF-style: chr22-32802072-G-T. GRCh37 (hg19) VCF-style: chr22-33198058-G-T.
Other names: c.708+62843C>A (NM_001369909.1, NM_001135774.2, NM_001369910.1); c.711+62843C>A (NM_001369907.1, NM_003490.4, NM_001369908.1 and 1 more transcripts); short protein forms C24F.
Identifiers: ClinVar variation 938270 (VCV000938270.9), dbSNP rs2046602540, ClinGen allele CA411539020.

ClinVar aggregate classification (germline): Uncertain significance (1 of 4 stars; one submission).

Submission:

Labcorp Genetics (formerly Invitae), Labcorp
Classification: Uncertain significance. Last evaluated: 2022-09-30. Review status: criteria provided, single submitter. Criteria: Invitae Variant Classification Sherloc (09022015). Collection method: clinical testing. Allele origin: germline.
Comment: This missense change has been observed in individual(s) with clinical features of TIMP3-related conditions (Invitae). In summary, the available evidence is currently insufficient to determine the role of this variant in disease. Therefore, it has been classified as a Variant of Uncertain Significance. This variant disrupts the p.Cys24 amino acid residue in TIMP3. Other variant(s) that disrupt this residue have been observed in individuals with TIMP3-related conditions (PMID: 28559085; Invitae), which suggests that this may be a clinically significant amino acid residue. Algorithms developed to predict the effect of missense changes on protein structure and function are either unavailable or do not agree on the potential impact of this missense change (SIFT: "Deleterious"; PolyPhen-2: "Probably Damaging"; Align-GVGD: "Class C0"). ClinVar contains an entry for this variant (Variation ID: 938270). This variant is not present in population databases (gnomAD no frequency). This sequence change replaces cysteine, which is neutral and slightly polar, with phenylalanine, which is neutral and non-polar, at codon 24 of the TIMP3 protein (p.Cys24Phe).

Literature cited by the submitters: PubMed 28559085.